The following is an entry in ClinVar:

ClinVar aggregate classification (germline): Uncertain significance (1 of 4 stars; one submission).

Submission:

Labcorp Genetics (formerly Invitae), Labcorp
Classification: Uncertain significance. Last evaluated: 2023-09-10. Review status: criteria provided, single submitter. Criteria: Invitae Variant Classification Sherloc (09022015). Collection method: clinical testing. Allele origin: germline.
Comment: This variant has not been reported in the literature in individuals affected with NOG-related conditions. This variant is not present in population databases (gnomAD no frequency). This sequence change replaces glutamine, which is neutral and polar, with leucine, which is neutral and non-polar, at codon 110 of the NOG protein (p.Gln110Leu). An algorithm developed to predict the effect of missense changes on protein structure and function (PolyPhen-2) suggests that this variant is likely to be tolerated. In summary, the available evidence is currently insufficient to determine the role of this variant in disease. Therefore, it has been classified as a Variant of Uncertain Significance.

NM_005450.6(NOG):c.329A>T (p.Gln110Leu)

Gene: NOG (noggin; plus strand). Cytogenetic location: 17q22.
Variant type: single nucleotide variant.
Coding change: c.329A>T on transcript NM_005450.6 (MANE Select); coding-DNA position 329, A replaced by T.
Protein change: p.Gln110Leu; replaces glutamine 110 with leucine.
Molecular consequence: missense variant.
Genome position (GRCh38, 1-based): chr17:56,594,552, A>T. VCF-style: chr17-56594552-A-T. GRCh37 (hg19) VCF-style: chr17-54671913-A-T.
Other names: short protein forms Q110L.
Identifiers: ClinVar variation 2759742 (VCV002759742.3), dbSNP rs868405669, ClinGen allele CA399965704.